The following is an entry in ClinVar:

NM_005629.4(SLC6A8):c.1145C>T (p.Pro382Leu)

Gene: SLC6A8 (solute carrier family 6 member 8; plus strand). Cytogenetic location: Xq28.
Variant type: single nucleotide variant.
Coding change: c.1145C>T on transcript NM_005629.4 (MANE Select); coding-DNA position 1145, C replaced by T.
Protein change: p.Pro382Leu; replaces proline 382 with leucine.
Molecular consequence: missense variant.
Genome position (GRCh38, 1-based): chrX:153,693,908, C>T. VCF-style: chrX-153693908-C-T. GRCh37 (hg19) VCF-style: chrX-152959363-C-T.
Other names: NM_005629.4(SLC6A8):c.1145C>T; p.Pro382Leu; c.1115C>T, p.Pro372Leu (NM_001142805.2); c.800C>T, p.Pro267Leu (NM_001142806.1); short protein forms P382L, P267L, P372L.
Identifiers: ClinVar variation 533700 (VCV000533700.20), dbSNP rs1557045250, ClinGen allele CA415086073.
Genomic context (GRCh38, chrX:153,693,908, plus strand): 5'-GGTGCGCACAGGGCAGGACATCGGCTACAAGGTCTAGAGCCTGCACCTTTCCCACAGGGC[C>T]GGGCCTGGCCTTCATCGCCTACCCGCGGGCTGTCACGCTGATGCCAGTGGCCCCACTCTG-3'
Protein context (NP_005620.1, residues 372-392): VHISKVAESG[Pro382Leu]GLAFIAYPRA

ClinVar aggregate classification (germline): Likely pathogenic. Review status: reviewed by expert panel (3 of 4 stars). 7 submissions from 6 submitters: Likely pathogenic (1). 6 of the submissions do not count toward it. Last evaluated 2022-12-08.

Conditions:
Intellectual disability. Also called: Intellectual functioning disability; intellectual disabilities; Intellectual developmental disorder. Identifiers: MedGen C3714756, MeSH D008607, MONDO:0001071, HP:0001249.
Creatine transporter deficiency (CCDS1). Also called: CEREBRAL CREATINE DEFICIENCY SYNDROME 1; Mental retardation , X-linked with seizures, short stature and midface hypoplasia; Mental retardation , X-linked, with creatine transport deficiency; X-linked creatine transporter deficiency; X-linked creatine deficiency syndrome; Creatine Transporter (CRTR) Deficiency. Identifiers: Orphanet 52503, MedGen C1845862, MONDO:0010305, OMIM 300352.

Submissions (7):

ClinGen Cerebral Creatine Deficiency Syndromes Variant Curation Expert Panel, ClinGen
Classification: Likely pathogenic for Creatine transporter deficiency. Last evaluated: 2022-12-08. Review status: reviewed by expert panel. Criteria: ClinGen_CCDS_ACMG_Specifications_SLC6A8_v1.1. Collection method: curation. Allele origin: germline.
Comment: The NM_005629.4:c.1145C>T variant in SLC6A8 is a missense variant predicted to cause substitution of Proline for Leucine at amino acid 382 (p.Pro382Leu). This variant is absent from gnomADv2.1.1, and has been reported in two individuals in the literature. In one affected individual in the literature, the ratio of urine Creatine to Creatinine was >99th percentile of normal, and reduced creatine uptake in patient fibroblasts was reported. In silico predictor REVEL suggests this variant will have a damaging / pathogenic effect on the protein (score=0.906). There is a ClinVar entry for this variant (Variation ID: 533700, 1 star review status) with 5 submitters classifying the variant with conflicting interpretations (Pathogenic(3); Likely pathogenic(1); Uncertain significance(1)). In summary, this variant meets the criteria to be classified as Likely Pathogenic for Creatine transporter deficiency based on the ACMG/AMP criteria applied, as specified by the ClinGen Cerebral Creatine Deficiency Syndromes Variant Curation Expert Panel (Specifications Version 1.0): PP4_Strong, PM2_Supporting, PP3.

GeneDx
Classification: Pathogenic. Last evaluated: 2024-10-15. Review status: criteria provided, single submitter. Criteria: GeneDx Variant Classification Process June 2021. Collection method: clinical testing. Allele origin: germline. Affected: yes. Not counted in ClinVar's aggregate classification.
Comment: Not observed at significant frequency in large population cohorts (gnomAD); In silico analysis supports that this missense variant has a deleterious effect on protein structure/function; This variant is associated with the following publications: (PMID: 22281021, 23408511, 33192443, 30885608, 33624935, 19188083, 33911214, 32207963, 37587458, 37662495, 37850681, 34050321)

Labcorp Genetics (formerly Invitae), Labcorp
Classification: Pathogenic for Creatine transporter deficiency. Last evaluated: 2023-10-30. Review status: criteria provided, single submitter. Criteria: Invitae Variant Classification Sherloc (09022015). Collection method: clinical testing. Allele origin: germline. Not counted in ClinVar's aggregate classification.
Comment: This sequence change replaces proline, which is neutral and non-polar, with leucine, which is neutral and non-polar, at codon 382 of the SLC6A8 protein (p.Pro382Leu). This variant is not present in population databases (gnomAD no frequency). This missense change has been observed in individual(s) with clinical features of creatine transporter deficiency (PMID: 19188083, 30885608; Invitae). ClinVar contains an entry for this variant (Variation ID: 533700). Advanced modeling of protein sequence and biophysical properties (such as structural, functional, and spatial information, amino acid conservation, physicochemical variation, residue mobility, and thermodynamic stability) performed at Invitae indicates that this missense variant is expected to disrupt SLC6A8 protein function with a positive predictive value of 80%. Experimental studies have shown that this missense change affects SLC6A8 function (PMID: 22281021, 30885608, 32207963). For these reasons, this variant has been classified as Pathogenic.

Institute of Human Genetics Munich, TUM University Hospital
Classification: Likely pathogenic for Creatine transporter deficiency. Last evaluated: 2021-10-06. Review status: criteria provided, single submitter. Criteria: Classification criteria August 2017. Collection method: clinical testing. Allele origin: germline. Inheritance: X-linked inheritance. Affected: yes. Observed: 1 variant allele. Not counted in ClinVar's aggregate classification.

Institute of Human Genetics, University of Leipzig Medical Center
Classification: Pathogenic for Intellectual disability. Last evaluated: 2020-08-03. Review status: criteria provided, single submitter. Criteria: ACMG Guidelines, 2015. Collection method: clinical testing. Allele origin: maternal. Affected: yes. Not counted in ClinVar's aggregate classification.

Institute of Human Genetics, University of Leipzig Medical Center
Classification: Pathogenic for Creatine transporter deficiency. Last evaluated: 2019-02-08. Review status: criteria provided, single submitter. Criteria: ACMG Guidelines, 2015. Collection method: clinical testing. Allele origin: germline. Affected: yes. Observed: 1 variant allele. Not counted in ClinVar's aggregate classification.

National Institute of Neuroscience, National Center of Neurology and Psychiatry
Classification: Pathogenic for Creatine transporter deficiency. Review status: criteria provided, single submitter. Criteria: ACMG Guidelines, 2015. Collection method: research. Allele origin: maternal. Affected: yes. Observed: 2 variant alleles. Not counted in ClinVar's aggregate classification.

Literature cited by the submitters: PubMed 19188083 (cited by Labcorp Genetics (formerly Invitae), Labcorp); PubMed 30885608 (cited by Labcorp Genetics (formerly Invitae), Labcorp); PubMed 22281021 (cited by Labcorp Genetics (formerly Invitae), Labcorp); PubMed 32207963 (cited by Labcorp Genetics (formerly Invitae), Labcorp); PubMed 33624935 (cited by National Institute of Neuroscience, National Center of Neurology and Psychiatry).